The following is an entry in ClinVar:

NM_006767.4(LZTR1):c.991G>T (p.Glu331Ter)

Gene: LZTR1 (leucine zipper like post translational regulator 1; plus strand). Cytogenetic location: 22q11.21.
Variant type: single nucleotide variant.
Coding change: c.991G>T on transcript NM_006767.4 (MANE Select); coding-DNA position 991, G replaced by T.
Protein change: p.Glu331Ter; replaces glutamic acid 331 with a stop codon.
Molecular consequence: nonsense.
Genome position (GRCh38, 1-based): chr22:20,991,827, G>T. VCF-style: chr22-20991827-G-T. GRCh37 (hg19) VCF-style: chr22-21346116-G-T.
Other names: short protein forms E331*.
Identifiers: ClinVar variation 1768614 (VCV001768614.5), dbSNP rs1317514162, ClinGen allele CA410781674.

ClinVar aggregate classification (germline): Pathogenic/Likely pathogenic. Review status: criteria provided, multiple submitters, no conflicts (2 of 4 stars). 3 submissions from 3 submitters: Pathogenic (2); Likely pathogenic (1). Last evaluated 2026-01-16.

Conditions:
Hereditary cancer-predisposing syndrome. Also called: Hereditary neoplastic syndrome; Neoplastic Syndromes, Hereditary; Tumor predisposition; Hereditary Cancer Syndrome. Identifiers: Orphanet 140162, MedGen C0027672, MeSH D009386, MONDO:0015356.
Cardiovascular phenotype. Identifiers: MedGen CN230736.
Noonan syndrome 2 (NS2). Identifiers: Orphanet 648, MedGen C1854469, MONDO:0011531, OMIM 605275.

Allele frequency attached by ClinVar (database versions not stated): gnomAD exomes below 0.00001.
gnomAD v4.1: 1 of 1,548,676 alleles (0.000065%); highest among the groups gnomAD compares: Admixed American, 0.002%; no homozygotes.

Submissions (3):

Labcorp Genetics (formerly Invitae), Labcorp
Classification: Pathogenic. Last evaluated: 2026-01-16. Review status: criteria provided, single submitter. Criteria: Invitae Variant Classification Sherloc (09022015). Collection method: clinical testing. Allele origin: germline.
Comment: This sequence change creates a premature translational stop signal (p.Glu331*) in the LZTR1 gene. It is expected to result in an absent or disrupted protein product. Loss-of-function variants in LZTR1 are known to be pathogenic (PMID: 24362817, 25335493, 25480913, 25795793, 29469822, 30368668, 30442762, 30442766, 30481304, 30859559). This variant is not present in population databases (gnomAD no frequency). This variant has not been reported in the literature in individuals affected with LZTR1-related conditions. ClinVar contains an entry for this variant (Variation ID: 1768614). For these reasons, this variant has been classified as Pathogenic.

Ambry Genetics
Classification: Pathogenic for Cardiovascular phenotype; Hereditary cancer-predisposing syndrome. Last evaluated: 2022-01-14. Review status: criteria provided, single submitter. Criteria: Ambry Variant Classification Scheme 2023. Collection method: clinical testing. Allele origin: germline.
Comment: The p.E331* pathogenic mutation (also known as c.991G>T), located in coding exon 9 of the LZTR1 gene, results from a G to T substitution at nucleotide position 991. This changes the amino acid from a glutamic acid to a stop codon within coding exon 9. This alteration is expected to result in loss of function by premature protein truncation or nonsense-mediated mRNA decay. Loss-of-function variants in LZTR1 are related to an increased risk for schwannomas and autosomal recessive Noonan syndrome; however, such associations with autosomal dominant Noonan syndrome have not been observed (Piotrowski A et al. Nat Genet. 2014 Feb;46:182-7; Yamamoto GL et al. J Med Genet. 2015 Jun;52:413-21; Johnston JJ et al. Genet Med. 2018 10;20:1175-1185). Based on the supporting evidence, this variant is pathogenic for an increased risk of LZTR1-related schwannomatosis (SWN) and would be expected to cause autosomal recessive Noonan syndrome when present along with a second pathogenic or likely pathogenic variant on the other allele; however, the association of this alteration with autosomal dominant Noonan syndrome is unlikely.

Juno Genomics, Hangzhou Juno Genomics, Inc
Classification: Likely pathogenic for Noonan syndrome 2. Review status: criteria provided, single submitter. Criteria: ACMG Guidelines, 2015. Collection method: clinical testing. Allele origin: germline.
Comment: Absent from controls (or at extremely low frequency if recessive) in Genome Aggregation Database.;Null variant in a gene where loss of function (LOF) is a known mechanism of disease.

Literature cited by the submitters: PubMed 24362817 (cited by Labcorp Genetics (formerly Invitae), Labcorp); PubMed 25335493 (cited by Labcorp Genetics (formerly Invitae), Labcorp); PubMed 25480913 (cited by Labcorp Genetics (formerly Invitae), Labcorp); PubMed 25795793 (cited by Labcorp Genetics (formerly Invitae), Labcorp); PubMed 29469822 (cited by Labcorp Genetics (formerly Invitae), Labcorp); PubMed 30368668 (cited by Labcorp Genetics (formerly Invitae), Labcorp); PubMed 30442762 (cited by Labcorp Genetics (formerly Invitae), Labcorp); PubMed 30442766 (cited by Labcorp Genetics (formerly Invitae), Labcorp); PubMed 30481304 (cited by Labcorp Genetics (formerly Invitae), Labcorp); PubMed 30859559 (cited by Labcorp Genetics (formerly Invitae), Labcorp).